The following is an entry in ClinVar:

NM_002890.3(RASA1):c.1172G>A (p.Arg391Gln)

Genes: CCNH (cyclin H; minus strand), RASA1 (RAS p21 protein activator 1; plus strand). Cytogenetic location: 5q14.3.
Variant type: single nucleotide variant.
Coding change: c.1172G>A on transcript NM_002890.3 (MANE Select); coding-DNA position 1172, G replaced by A.
Protein change: p.Arg391Gln; replaces arginine 391 with glutamine.
Molecular consequence: missense variant. On other transcripts: intron variant (1).
Genome position (GRCh38, 1-based): chr5:87,349,283, G>A. VCF-style: chr5-87349283-G-A. GRCh37 (hg19) VCF-style: chr5-86645100-G-A.
Other names: c.641G>A, p.Arg214Gln (NM_022650.3); c.934-36488C>T (NM_001364075.2); short protein forms R214Q, R391Q.
Identifiers: ClinVar variation 1061699 (VCV001061699.10), dbSNP rs770469001, ClinGen allele CA3335673.
Genomic context (GRCh38, chr5:87,349,283, plus strand): 5'-TCTGCAGTTTTCTTGTGAGGCCCTCAGATAATACTCCTGGCGATTATTCACTTTATTTCC[G>A]GACCAATGAAAATATTCAGCGATTTAAAATATGTCCAACGCCAAACAATCAGTTTATGAT-3'
Protein context (NP_002881.1, residues 381-401): NTPGDYSLYF[Arg391Gln]TNENIQRFKI

ClinVar aggregate classification (germline): Uncertain significance. Review status: criteria provided, multiple submitters, no conflicts (2 of 4 stars). 2 submissions from 2 submitters: Uncertain significance (2). Last evaluated 2025-07-31.

Conditions:
Capillary malformation-arteriovenous malformation syndrome. Also called: Capillary malformation-arteriovenous malformation. Identifiers: Orphanet 137667, MedGen C1842180, MONDO:0012016.
Cardiovascular phenotype. Identifiers: MedGen CN230736.

Allele frequency attached by ClinVar (database versions not stated): gnomAD exomes 0.00001 and 0.00002; gnomAD 0.00001; ExAC 0.00001.
gnomAD v4.1: 31 of 1,611,744 alleles (0.0019%); highest among the groups gnomAD compares: Non-Finnish European, 0.0024%; no homozygotes.

Submissions (2):

Labcorp Genetics (formerly Invitae), Labcorp
Classification: Uncertain significance for Capillary malformation-arteriovenous malformation syndrome. Last evaluated: 2025-07-31. Review status: criteria provided, single submitter. Criteria: Invitae Variant Classification Sherloc (09022015). Collection method: clinical testing. Allele origin: germline.
Comment: This sequence change replaces arginine, which is basic and polar, with glutamine, which is neutral and polar, at codon 391 of the RASA1 protein (p.Arg391Gln). This variant is present in population databases (rs770469001, gnomAD 0.003%). This variant has not been reported in the literature in individuals affected with RASA1-related conditions. ClinVar contains an entry for this variant (Variation ID: 1061699). An algorithm developed to predict the effect of missense changes on protein structure and function (PolyPhen-2) suggests that this variant is likely to be disruptive. Algorithms developed to predict the effect of sequence changes on RNA splicing suggest that this variant may create or strengthen a splice site. In summary, the available evidence is currently insufficient to determine the role of this variant in disease. Therefore, it has been classified as a Variant of Uncertain Significance.

Ambry Genetics
Classification: Uncertain significance for Cardiovascular phenotype. Last evaluated: 2022-03-09. Review status: criteria provided, single submitter. Criteria: Ambry Variant Classification Scheme 2023. Collection method: clinical testing. Allele origin: germline.
Comment: The p.R391Q variant (also known as c.1172G>A), located in coding exon 8 of the RASA1 gene, results from a G to A substitution at nucleotide position 1172. The arginine at codon 391 is replaced by glutamine, an amino acid with highly similar properties. This amino acid position is conserved. In addition, this alteration is predicted to be deleterious by in silico analysis. Since supporting evidence is limited at this time, the clinical significance of this alteration remains unclear.